The following is an entry in ClinVar:

NM_001845.6(COL4A1):c.3611G>A (p.Gly1204Glu)

Gene: COL4A1 (collagen type IV alpha 1 chain; minus strand). Cytogenetic location: 13q34.
Variant type: single nucleotide variant.
Coding change: c.3611G>A on transcript NM_001845.6 (MANE Select); coding-DNA position 3611, G replaced by A.
Protein change: p.Gly1204Glu; replaces glycine 1204 with glutamic acid.
Molecular consequence: missense variant.
Genome position (GRCh38, 1-based): chr13:110,170,678, C>T on the plus strand (G>A on the coding strand, the complement: COL4A1 is on the minus strand). VCF-style: chr13-110170678-C-T. GRCh37 (hg19) VCF-style: chr13-110823025-C-T.
Other names: short protein forms G1204E.
Identifiers: ClinVar variation 427027 (VCV000427027.2), dbSNP rs1085307907, ClinGen allele CA388662728.

ClinVar aggregate classification (germline): Likely pathogenic (1 of 4 stars; one submission).

Submission:

GeneDx
Classification: Likely pathogenic. Last evaluated: 2015-08-14. Review status: criteria provided, single submitter. Criteria: GeneDx Variant Classification (06012015). Collection method: clinical testing. Allele origin: germline. Affected: yes.
Comment: The G1204E variant in the COL4A1 gene has not been published as a pathogenic variatn, nor has it been reported as a benign polymorphism to our knowledge. The G1204E variant was not observed in approximately 6,500 individuals of European and African American ancestry in the NHLBI Exome Sequencing Project, indicating it is not a common benign variant in these populations. The G1204E variant is a non-conservative amino acid substitution, which is likely to impact secondary protein structure as these residues differ in polarity, charge, size and/or other properties. This substitution occurs at a position in the triple helical region, specifically the Glycine residue in the Gly-X-Y repeat, that is conserved across species. In silico analysis predicts this variant is probably damaging to the protein structure/function. The G1204E variant is a strong candidate for a disease-causing variant However, the possibility it may be a rare benign variant cannot be excluded.